The following is an entry in ClinVar:

ClinVar aggregate classification (germline): Uncertain significance (1 of 4 stars; one submission).

Allele frequency attached by ClinVar (database versions not stated): gnomAD exomes below 0.00001.
gnomAD v4.1: 4 of 1,606,442 alleles (0.00025%); highest among the groups gnomAD compares: Non-Finnish European, 0.00034%; no homozygotes.

Submission:

GeneDx
Classification: Uncertain significance. Last evaluated: 2025-05-15. Review status: criteria provided, single submitter. Criteria: GeneDx Variant Classification Process June 2021. Collection method: clinical testing. Allele origin: germline. Affected: yes.
Comment: Not observed at significant frequency in large population cohorts (gnomAD); In silico analysis supports that this missense variant has a deleterious effect on protein structure/function; This substitution is predicted to be within the N/C-terminal cytoplasmic domain.; Has not been previously published as pathogenic or benign to our knowledge

NM_001040142.2(SCN2A):c.289G>T (p.Gly97Trp)

Gene: SCN2A (sodium voltage-gated channel alpha subunit 2; plus strand). Cytogenetic location: 2q24.3.
Variant type: single nucleotide variant.
Coding change: c.289G>T on transcript NM_001040142.2 (MANE Select); coding-DNA position 289, G replaced by T.
Protein change: p.Gly97Trp; replaces glycine 97 with tryptophan.
Molecular consequence: missense variant.
Genome position (GRCh38, 1-based): chr2:165,297,038, G>T. VCF-style: chr2-165297038-G-T. GRCh37 (hg19) VCF-style: chr2-166153548-G-T.
Other names: c.289G>T, p.Gly97Trp (NM_001040143.2, NM_001371246.1, NM_001371247.1 and 1 more transcripts); short protein forms G97W.
Identifiers: ClinVar variation 1326706 (VCV001326706.3), dbSNP rs2106151134, ClinGen allele CA349011344.
Genomic context (GRCh38, chr2:165,297,038, plus strand): 5'-TTCTAAGTTTTATTTTATGTGTTGTGTTTTCTTTTTCAGACGTTTATAGTATTGAATAAA[G>T]GGAAAGCAATCTCTCGATTCAGTGCCACCCCTGCCCTTTACATTTTAACTCCCTTCAACC-3'
Protein context (NP_001035232.1, residues 87-107): NKKTFIVLNK[Gly97Trp]KAISRFSATP